The following is an entry in ClinVar:

NM_000631.5(NCF4):c.217T>G (p.Phe73Val)

Genes: NCF4 (neutrophil cytosolic factor 4; plus strand), NCF4-AS1 (NCF4 antisense RNA 1; minus strand). Cytogenetic location: 22q12.3.
Variant type: single nucleotide variant.
Coding change: c.217T>G on transcript NM_000631.5 (MANE Select); coding-DNA position 217, T replaced by G.
Protein change: p.Phe73Val; replaces phenylalanine 73 with valine.
Molecular consequence: missense variant.
Genome position (GRCh38, 1-based): chr22:36,865,018, T>G. VCF-style: chr22-36865018-T-G. GRCh37 (hg19) VCF-style: chr22-37261060-T-G.
Other names: c.217T>G, p.Phe73Val (NM_013416.4); short protein forms F73V.
Identifiers: ClinVar variation 950441 (VCV000950441.1), dbSNP rs1292900352, ClinGen allele CA411379277.

ClinVar aggregate classification (germline): Uncertain significance (1 of 4 stars; one submission).

Conditions:
Granulomatous disease, chronic, autosomal recessive, cytochrome b-positive, type 3. Also called: GRANULOMATOUS DISEASE, CHRONIC, DUE TO NCF4 DEFICIENCY; GRANULOMATOUS DISEASE, CHRONIC, AUTOSOMAL RECESSIVE, 3; CGD, AUTOSOMAL RECESSIVE CYTOCHROME b-POSITIVE, TYPE III; Granulomatous disease, chronic, autosomal recessive, cytochrome b-positive, type III. Identifiers: Orphanet 379, MedGen C3151409, MONDO:0013507, OMIM 613960.

Submission:

Labcorp Genetics (formerly Invitae), Labcorp
Classification: Uncertain significance for Granulomatous disease, chronic, autosomal recessive, cytochrome b-positive, type III. Last evaluated: 2019-06-11. Review status: criteria provided, single submitter. Criteria: Invitae Variant Classification Sherloc (09022015). Collection method: clinical testing. Allele origin: germline.
Comment: This sequence change replaces phenylalanine with valine at codon 73 of the NCF4 protein (p.Phe73Val). The phenylalanine residue is moderately conserved and there is a small physicochemical difference between phenylalanine and valine. This variant is not present in population databases (ExAC no frequency). This variant has not been reported in the literature in individuals with NCF4-related conditions. Algorithms developed to predict the effect of missense changes on protein structure and function are either unavailable or do not agree on the potential impact of this missense change (SIFT: "Deleterious"; PolyPhen-2: "Probably Damaging"; Align-GVGD: "Class C0"). In summary, the available evidence is currently insufficient to determine the role of this variant in disease. Therefore, it has been classified as a Variant of Uncertain Significance.